The following is an entry in ClinVar:

ClinVar aggregate classification (germline): Uncertain significance. Review status: criteria provided, multiple submitters, no conflicts (2 of 4 stars). 3 submissions from 3 submitters: Uncertain significance (3). Last evaluated 2026-04-23.

Conditions:
Inborn genetic diseases. Identifiers: MedGen C0950123, MeSH D030342.

Allele frequency attached by ClinVar (database versions not stated): ExAC 0.00007; TOPMed 0.00012; gnomAD 0.00006 and 0.00008; ESP Exome Variant Server 0.00015.
gnomAD v4.1: 105 of 1,614,006 alleles (0.0065%); highest among the groups gnomAD compares: Middle Eastern, 0.049%; no homozygotes.

Submissions (3):

Ambry Genetics
Classification: Uncertain significance for Inborn genetic diseases. Last evaluated: 2026-04-23. Review status: criteria provided, single submitter. Criteria: Ambry Variant Classification Scheme 2023. Collection method: clinical testing. Allele origin: germline.

Labcorp Genetics (formerly Invitae), Labcorp
Classification: Uncertain significance. Last evaluated: 2022-04-25. Review status: criteria provided, single submitter. Criteria: Invitae Variant Classification Sherloc (09022015). Collection method: clinical testing. Allele origin: germline.
Comment: This sequence change replaces arginine, which is basic and polar, with glutamine, which is neutral and polar, at codon 217 of the ITGB4 protein (p.Arg217Gln). This variant is present in population databases (rs144968507, gnomAD 0.02%). This variant has not been reported in the literature in individuals affected with ITGB4-related conditions. Algorithms developed to predict the effect of missense changes on protein structure and function output the following: SIFT: "Not Available"; PolyPhen-2: "Benign"; Align-GVGD: "Not Available". The glutamine amino acid residue is found in multiple mammalian species, which suggests that this missense change does not adversely affect protein function. In summary, the available evidence is currently insufficient to determine the role of this variant in disease. Therefore, it has been classified as a Variant of Uncertain Significance.

AiLife Diagnostics
Classification: Uncertain significance. Last evaluated: 2022-01-31. Review status: criteria provided, single submitter. Criteria: ACMG Guidelines, 2015. Collection method: clinical testing. Allele origin: germline. Affected: yes. Observed: 1 variant allele.

NM_000213.5(ITGB4):c.650G>A (p.Arg217Gln)

Gene: ITGB4 (integrin subunit beta 4; plus strand). Cytogenetic location: 17q25.1.
Variant type: single nucleotide variant.
Coding change: c.650G>A on transcript NM_000213.5 (MANE Select); coding-DNA position 650, G replaced by A.
Protein change: p.Arg217Gln; replaces arginine 217 with glutamine.
Molecular consequence: missense variant.
Genome position (GRCh38, 1-based): chr17:75,729,348, G>A. VCF-style: chr17-75729348-G-A. GRCh37 (hg19) VCF-style: chr17-73725429-G-A.
Other names: c.650G>A, p.Arg217Gln (NM_001005619.2, NM_001005731.3, NM_001321123.2); short protein forms R217Q.
Identifiers: ClinVar variation 1677859 (VCV001677859.5), dbSNP rs144968507, ClinGen allele CA8768738.